The following is an entry in ClinVar:

NM_001165963.4(SCN1A):c.964+5G>T

Gene: SCN1A (sodium voltage-gated channel alpha subunit 1; minus strand). Cytogenetic location: 2q24.3.
Variant type: single nucleotide variant.
Coding change: c.964+5G>T on transcript NM_001165963.4 (MANE Select); 5 bases into the intron after coding-DNA position 964, G replaced by T.
Molecular consequence: intron variant.
Genome position (GRCh38, 1-based): chr2:166,051,714, C>A on the plus strand (G>T on the coding strand, the complement: SCN1A is on the minus strand). VCF-style: chr2-166051714-C-A. GRCh37 (hg19) VCF-style: chr2-166908224-C-A.
Other names: c.964+5G>T (NM_001353949.2, NM_001353958.2, NM_001353950.2 and 10 more transcripts); c.-1462+5G>T (NM_001353961.2).
Identifiers: ClinVar variation 3898256 (VCV003898256.7).

ClinVar aggregate classification (germline): Uncertain significance (1 of 4 stars; one submission).

Submission:

CeGaT Center for Human Genetics Tuebingen
Classification: Uncertain significance. Last evaluated: 2025-04-01. Review status: criteria provided, single submitter. Criteria: CeGaT Center For Human Genetics Tuebingen Variant Classification Criteria Version 2. Collection method: clinical testing. Allele origin: germline. Affected: yes. Observed: 1 variant allele.
Comment: SCN1A: PM2, PP3